The following is an entry in ClinVar:

ClinVar aggregate classification (germline): Pathogenic (1 of 4 stars; one submission).

Submission:

Labcorp Genetics (formerly Invitae), Labcorp
Classification: Pathogenic. Last evaluated: 2024-11-19. Review status: criteria provided, single submitter. Criteria: Invitae Variant Classification Sherloc (09022015). Collection method: clinical testing. Allele origin: germline.
Comment: This sequence change creates a premature translational stop signal (p.Tyr296*) in the TYRP1 gene. It is expected to result in an absent or disrupted protein product. Loss-of-function variants in TYRP1 are known to be pathogenic (PMID: 8651291, 9345097). This variant is not present in population databases (gnomAD no frequency). This variant has not been reported in the literature in individuals affected with TYRP1-related conditions. Algorithms developed to predict the effect of sequence changes on RNA splicing suggest that this variant may disrupt the consensus splice site. For these reasons, this variant has been classified as Pathogenic.

Literature cited by the submitters: PubMed 8651291; PubMed 9345097.

NM_000550.3(TYRP1):c.888T>G (p.Tyr296Ter)

Gene: TYRP1 (tyrosinase related protein 1; plus strand). Cytogenetic location: 9p23.
Variant type: single nucleotide variant.
Coding change: c.888T>G on transcript NM_000550.3 (MANE Select); coding-DNA position 888, T replaced by G.
Protein change: p.Tyr296Ter; replaces tyrosine 296 with a stop codon.
Molecular consequence: nonsense.
Genome position (GRCh38, 1-based): chr9:12,698,630, T>G. VCF-style: chr9-12698630-T-G. GRCh37 (hg19) VCF-style: chr9-12698630-T-G.
Other names: short protein forms Y296*.
Identifiers: ClinVar variation 3689791 (VCV003689791.2).